The following is an entry in ClinVar:

ClinVar aggregate classification (germline): Uncertain significance. Review status: criteria provided, multiple submitters, no conflicts (2 of 4 stars). 2 submissions from 2 submitters: Uncertain significance (2). Last evaluated 2025-01-15.

Allele frequency attached by ClinVar (database versions not stated): ExAC 0.00002; gnomAD 0.00004 and 0.00005; gnomAD exomes 0.00006; TOPMed 0.00006; 1000 Genomes Project 30x 0.00016; 1000 Genomes Project 0.00020.

Submissions (2):

Labcorp Genetics (formerly Invitae), Labcorp
Classification: Uncertain significance. Last evaluated: 2025-01-15. Review status: criteria provided, single submitter. Criteria: Invitae Variant Classification Sherloc (09022015). Collection method: clinical testing. Allele origin: germline.
Comment: This sequence change replaces glycine, which is neutral and non-polar, with serine, which is neutral and polar, at codon 1149 of the RBP3 protein (p.Gly1149Ser). This variant is present in population databases (rs202008495, gnomAD 0.04%). This variant has not been reported in the literature in individuals affected with RBP3-related conditions. ClinVar contains an entry for this variant (Variation ID: 1016943). Invitae Evidence Modeling of protein sequence and biophysical properties (such as structural, functional, and spatial information, amino acid conservation, physicochemical variation, residue mobility, and thermodynamic stability) has been performed for this missense variant. However, the output from this modeling did not meet the statistical confidence thresholds required to predict the impact of this variant on RBP3 protein function. In summary, the available evidence is currently insufficient to determine the role of this variant in disease. Therefore, it has been classified as a Variant of Uncertain Significance.

Blueprint Genetics
Classification: Uncertain significance. Last evaluated: 2024-11-13. Review status: criteria provided, single submitter. Criteria: ACMG Guidelines, 2015. Collection method: clinical testing. Allele origin: germline.

NM_002900.3(RBP3):c.3445G>A (p.Gly1149Ser)

Gene: RBP3 (retinol binding protein 3; plus strand). Cytogenetic location: 10q11.22.
Variant type: single nucleotide variant.
Coding change: c.3445G>A on transcript NM_002900.3 (MANE Select); coding-DNA position 3445, G replaced by A.
Protein change: p.Gly1149Ser; replaces glycine 1149 with serine.
Molecular consequence: missense variant.
Genome position (GRCh38, 1-based): chr10:47,357,158, G>A. VCF-style: chr10-47357158-G-A. GRCh37 (hg19) VCF-style: chr10-48382204-C-T.
Other names: short protein forms G1149S.
Identifiers: ClinVar variation 1016943 (VCV001016943.9), dbSNP rs202008495, ClinGen allele CA5487044.
Genomic context (GRCh38, chr10:47,357,158, plus strand): 5'-CCAGGTGAACGCTATGGCTCCAAGAAGAGCATGGTCATTCTGACCAGCAGTGTGACGGCC[G>A]GCACCGCGGAGGAGTTCACCTATATCATGAAGAGGCTGGGCCGGGCCCTGGTCATTGGGG-3'
Protein context (NP_002891.1, residues 1139-1159): MVILTSSVTA[Gly1149Ser]TAEEFTYIMK